The following is an entry in ClinVar:

NM_000083.3(CLCN1):c.1628C>T (p.Ala543Val)

Gene: CLCN1 (chloride voltage-gated channel 1; plus strand). Cytogenetic location: 7q34.
Variant type: single nucleotide variant.
Coding change: c.1628C>T on transcript NM_000083.3 (MANE Select); coding-DNA position 1628, C replaced by T.
Protein change: p.Ala543Val; replaces alanine 543 with valine.
Molecular consequence: missense variant. On other transcripts: non-coding transcript variant (1).
Genome position (GRCh38, 1-based): chr7:143,341,974, C>T. VCF-style: chr7-143341974-C-T. GRCh37 (hg19) VCF-style: chr7-143039067-C-T.
Other names: short protein forms A543V.
Identifiers: ClinVar variation 4813659 (VCV004813659.1).

ClinVar aggregate classification (germline): Uncertain significance (1 of 4 stars; one submission).

Conditions:
Skeletal muscle channelopathy.

gnomAD v4.1: 1 of 1,614,154 alleles (0.000062%); highest among the groups gnomAD compares: African/African-American, 0.0013%; no homozygotes.

Submission:

Genetics Laboratory, Great Ormond Street Hospital NHS Foundation Trust, North Thames Genomic Laboratory Hub
Classification: Uncertain significance for Skeletal muscle channelopathy. Last evaluated: 2026-01-21. Review status: criteria provided, single submitter. Criteria: ACGS Best Practice Guidelines for Variant Classification in Rare Disease 2024 v1.2. Collection method: clinical testing. Allele origin: germline. Affected: yes.
Comment: PM2_moderate, PM5_supporting, PM3_supporting